The following is an entry in ClinVar:

NM_001277115.2(DNAH11):c.10783G>A (p.Glu3595Lys)

Gene: DNAH11 (dynein axonemal heavy chain 11; plus strand). Cytogenetic location: 7p15.3.
Variant type: single nucleotide variant.
Coding change: c.10783G>A on transcript NM_001277115.2 (MANE Select); coding-DNA position 10783, G replaced by A.
Protein change: p.Glu3595Lys; replaces glutamic acid 3595 with lysine.
Molecular consequence: missense variant.
Genome position (GRCh38, 1-based): chr7:21,842,635, G>A. VCF-style: chr7-21842635-G-A. GRCh37 (hg19) VCF-style: chr7-21882253-G-A.
Other names: c.10804G>A, p.Glu3602Lys (NM_003777.3); short protein forms E3595K, E3602K.
Identifiers: ClinVar variation 2440910 (VCV002440910.7), dbSNP rs762731249, ClinGen allele CA4182488.
Genomic context (GRCh38, chr7:21,842,635, plus strand): 5'-TTTAACAAGAACTTTCGCCTTATCCTTCACACAAAATTGGCAAATCCTCACTATAAGCCG[G>A]AATTACAAGCTCAGACAACTCTCCTCAATTTCACAGTCACAGAAGATGGTCTAGAAGCCC-3'
Protein context (NP_001264044.1, residues 3585-3605): TKLANPHYKP[Glu3595Lys]LQAQTTLLNF

ClinVar aggregate classification (germline): Conflicting classifications of pathogenicity. Review status: criteria provided, conflicting classifications (1 of 4 stars). 3 submissions from 3 submitters: Uncertain significance (2); Benign (1). Last evaluated 2024-01-09.

Conditions:
Primary ciliary dyskinesia. Also called: Ciliary dyskinesia. Identifiers: Orphanet 244, MedGen C0008780, MONDO:0016575, HP:0012265.
Primary ciliary dyskinesia 7. Also called: CILIARY DYSKINESIA, PRIMARY, 7, WITH OR WITHOUT SITUS INVERSUS. Identifiers: Orphanet 244, MedGen C2678473, MONDO:0012748, OMIM 611884.

Allele frequency attached by ClinVar (database versions not stated): ExAC 0.00001; gnomAD 0.00002; TOPMed 0.00002.
gnomAD v4.1: 4 of 1,613,772 alleles (0.00025%); highest among the groups gnomAD compares: African/African-American, 0.0027%; no homozygotes.

Submissions (3):

Labcorp Genetics (formerly Invitae), Labcorp
Classification: Benign for Primary ciliary dyskinesia. Last evaluated: 2024-01-09. Review status: criteria provided, single submitter. Criteria: Invitae Variant Classification Sherloc (09022015). Collection method: clinical testing. Allele origin: germline.

GeneDx
Classification: Uncertain significance. Last evaluated: 2022-10-03. Review status: criteria provided, single submitter. Criteria: GeneDx Variant Classification Process June 2021. Collection method: clinical testing. Allele origin: germline. Affected: yes.
Comment: Not observed at significant frequency in large population cohorts (gnomAD); In silico analysis supports that this missense variant has a deleterious effect on protein structure/function; Has not been previously published as pathogenic or benign to our knowledge

Revvity Omics, Revvity
Classification: Uncertain significance for Primary ciliary dyskinesia 7. Last evaluated: 2020-03-16. Review status: criteria provided, single submitter. Criteria: ACMG Guidelines, 2015. Collection method: clinical testing. Allele origin: germline.